The following is an entry in ClinVar:

NM_031935.3(HMCN1):c.5462C>T (p.Thr1821Ile)

Gene: HMCN1 (hemicentin 1; plus strand). Cytogenetic location: 1q31.1.
Variant type: single nucleotide variant.
Coding change: c.5462C>T on transcript NM_031935.3 (MANE Select); coding-DNA position 5462, C replaced by T.
Protein change: p.Thr1821Ile; replaces threonine 1821 with isoleucine.
Molecular consequence: missense variant.
Genome position (GRCh38, 1-based): chr1:186,018,344, C>T. VCF-style: chr1-186018344-C-T. GRCh37 (hg19) VCF-style: chr1-185987476-C-T.
Other names: short protein forms T1821I.
Identifiers: ClinVar variation 2994646 (VCV002994646.3), dbSNP rs2527540490, ClinGen allele CA343891726.

ClinVar aggregate classification (germline): Uncertain significance (1 of 4 stars; one submission).

Submission:

Labcorp Genetics (formerly Invitae), Labcorp
Classification: Uncertain significance. Last evaluated: 2025-01-13. Review status: criteria provided, single submitter. Criteria: Invitae Variant Classification Sherloc (09022015). Collection method: clinical testing. Allele origin: germline.
Comment: This sequence change replaces threonine, which is neutral and polar, with isoleucine, which is neutral and non-polar, at codon 1821 of the HMCN1 protein (p.Thr1821Ile). This variant is not present in population databases (gnomAD no frequency). This variant has not been reported in the literature in individuals affected with HMCN1-related conditions. ClinVar contains an entry for this variant (Variation ID: 2994646). An algorithm developed to predict the effect of missense changes on protein structure and function (PolyPhen-2) suggests that this variant is likely to be disruptive. In summary, the available evidence is currently insufficient to determine the role of this variant in disease. Therefore, it has been classified as a Variant of Uncertain Significance.